The following is an entry in ClinVar:

NM_001130965.3(SUN1):c.157C>T (p.Arg53Cys)

Gene: SUN1 (Sad1 and UNC84 domain containing 1; plus strand). Cytogenetic location: 7p22.3.
Variant type: single nucleotide variant.
Coding change: c.157C>T on transcript NM_001130965.3 (MANE Select); coding-DNA position 157, C replaced by T.
Protein change: p.Arg53Cys; replaces arginine 53 with cysteine.
Molecular consequence: missense variant. On other transcripts: intron variant (2), 5 prime UTR variant (2), non-coding transcript variant (3).
Genome position (GRCh38, 1-based): chr7:838,877, C>T. VCF-style: chr7-838877-C-T. GRCh37 (hg19) VCF-style: chr7-878514-C-T.
Other names: c.7C>T, p.Arg3Cys (NM_001367679.1, NM_001367680.1, NM_001367681.1 and 25 more transcripts); c.157C>T, p.Arg53Cys (NM_001367682.1, NM_001367683.1, NM_001367685.1 and 34 more transcripts); c.-301-3069C>T (NM_001367639.1); c.157C>T (NM_001130965.2); c.376C>T, p.Arg126Cys (NM_001367651.1); c.-605C>T (NM_001367658.1); c.78-3069C>T (NM_001367695.1); c.220C>T, p.Arg74Cys (NM_001171945.2); and 1 more; short protein forms R53C, R74C, R126C, R3C.
Identifiers: ClinVar variation 2704597 (VCV002704597.4), dbSNP rs754833191, ClinGen allele CA4111395.
Genomic context (GRCh38, chr7:838,877, plus strand): 5'-GCTCTGGATTTTGAGACGGAGCACAAATTGGACCCTGTATTTGATTCTCCACGGATGTCC[C>T]GCCGTAGTTTGCGCCTGGCCACGACAGCATGCACCCTGGGGGATGGTGAGGCTGTGGGTG-3'
Protein context (NP_001124437.1, residues 43-63): DPVFDSPRMS[Arg53Cys]RSLRLATTAC

ClinVar aggregate classification (germline): Uncertain significance. Review status: criteria provided, multiple submitters, no conflicts (2 of 4 stars). 2 submissions from 2 submitters: Uncertain significance (2). Last evaluated 2025-06-06.

Conditions:
Emery-Dreifuss muscular dystrophy (EDMD). Also called: Scapuloperoneal syndrome, X-linked (formerly); Humeroperoneal neuromuscular disease, (formerly). Identifiers: Orphanet 261, MedGen C0410189, MONDO:0016830.

Allele frequency attached by ClinVar (database versions not stated): gnomAD exomes below 0.00001; TOPMed below 0.00001; ExAC 0.00002.
gnomAD v4.1: 6 of 1,605,094 alleles (0.00037%); highest among the groups gnomAD compares: South Asian, 0.0011%; no homozygotes.

Submissions (2):

Ambry Genetics
Classification: Uncertain significance. Last evaluated: 2025-06-06. Review status: criteria provided, single submitter. Criteria: Ambry Variant Classification Scheme 2023. Collection method: clinical testing. Allele origin: germline.

Labcorp Genetics (formerly Invitae), Labcorp
Classification: Uncertain significance for Emery-Dreifuss muscular dystrophy. Last evaluated: 2023-11-10. Review status: criteria provided, single submitter. Criteria: Invitae Variant Classification Sherloc (09022015). Collection method: clinical testing. Allele origin: germline.
Comment: This sequence change replaces arginine, which is basic and polar, with cysteine, which is neutral and slightly polar, at codon 53 of the SUN1 protein (p.Arg53Cys). The frequency data for this variant in the population databases is considered unreliable, as metrics indicate poor data quality at this position in the gnomAD database. This variant has not been reported in the literature in individuals affected with SUN1-related conditions. An algorithm developed to predict the effect of missense changes on protein structure and function (PolyPhen-2) suggests that this variant is likely to be disruptive. In summary, the available evidence is currently insufficient to determine the role of this variant in disease. Therefore, it has been classified as a Variant of Uncertain Significance.